The following is an entry in ClinVar:

NM_006270.5(RRAS):c.295C>A (p.Arg99Ser)

Gene: RRAS (RAS related; minus strand). Cytogenetic location: 19q13.33.
Variant type: single nucleotide variant.
Coding change: c.295C>A on transcript NM_006270.5 (MANE Select); coding-DNA position 295, C replaced by A.
Protein change: p.Arg99Ser; replaces arginine 99 with serine.
Molecular consequence: missense variant.
Genome position (GRCh38, 1-based): chr19:49,636,873, G>T on the plus strand (C>A on the coding strand, the complement: RRAS is on the minus strand). VCF-style: chr19-49636873-G-T. GRCh37 (hg19) VCF-style: chr19-50140130-G-T.
Other names: short protein forms R99S.
Identifiers: ClinVar variation 3704664 (VCV003704664.2).

ClinVar aggregate classification (germline): Uncertain significance (1 of 4 stars; one submission).

Conditions:
Noonan syndrome (NS). Also called: Noonan's syndrome. Identifiers: Orphanet 648, MedGen C0028326, MeSH D009634, MONDO:0018997. Disease mechanism: gain of function.

Submission:

Labcorp Genetics (formerly Invitae), Labcorp
Classification: Uncertain significance for Noonan syndrome. Last evaluated: 2024-09-11. Review status: criteria provided, single submitter. Criteria: Invitae Variant Classification Sherloc (09022015). Collection method: clinical testing. Allele origin: germline.
Comment: This sequence change replaces arginine, which is basic and polar, with serine, which is neutral and polar, at codon 99 of the RRAS protein (p.Arg99Ser). This variant is not present in population databases (gnomAD no frequency). This variant has not been reported in the literature in individuals affected with RRAS-related conditions. An algorithm developed to predict the effect of missense changes on protein structure and function (PolyPhen-2) suggests that this variant is likely to be disruptive. In summary, the available evidence is currently insufficient to determine the role of this variant in disease. Therefore, it has been classified as a Variant of Uncertain Significance.